The following is an entry in ClinVar:

NM_004360.5(CDH1):c.878T>C (p.Val293Ala)

Gene: CDH1 (cadherin 1; plus strand). Cytogenetic location: 16q22.1.
Variant type: single nucleotide variant.
Coding change: c.878T>C on transcript NM_004360.5 (MANE Select); coding-DNA position 878, T replaced by C.
Protein change: p.Val293Ala; replaces valine 293 with alanine.
Molecular consequence: missense variant. On other transcripts: 5 prime UTR variant (2).
Genome position (GRCh38, 1-based): chr16:68,811,729, T>C. VCF-style: chr16-68811729-T-C. GRCh37 (hg19) VCF-style: chr16-68845632-T-C.
Other names: c.878T>C, p.Val293Ala (NM_001317184.2); c.-738T>C (NM_001317185.2); c.-942T>C (NM_001317186.2); c.878T>C (LRG_301t1); short protein forms V293A.
Identifiers: ClinVar variation 231481 (VCV000231481.16), dbSNP rs876659186, ClinGen allele CA10580096.
Genomic context (GRCh38, chr16:68,811,729, plus strand): 5'-CTTGAACTCTTCCAGGAACCTCTGTGATGGAGGTCACAGCCACAGACGCGGACGATGATG[T>C]GAACACCTACAATGCCGCCATCGCTTACACCATCCTCAGCCAAGATCCTGAGCTCCCTGA-3'
Protein context (NP_004351.1, residues 283-303): EVTATDADDD[Val293Ala]NTYNAAIAYT

ClinVar aggregate classification (germline): Conflicting classifications of pathogenicity. Review status: criteria provided, conflicting classifications (1 of 4 stars). 2 submissions from 2 submitters: Uncertain significance (1); Likely benign (1). Last evaluated 2025-06-20.

Conditions:
Hereditary cancer-predisposing syndrome. Also called: Hereditary Cancer Syndrome; Neoplastic Syndromes, Hereditary; Tumor predisposition; Hereditary neoplastic syndrome. Identifiers: Orphanet 140162, MedGen C0027672, MeSH D009386, MONDO:0015356.
Hereditary diffuse gastric adenocarcinoma (HDGC). Also called: DIFFUSE GASTRIC AND LOBULAR BREAST CANCER SYNDROME. Identifiers: Orphanet 26106, MedGen C1708349, MONDO:0007648, OMIM 137215.

Submissions (2):

Labcorp Genetics (formerly Invitae), Labcorp
Classification: Uncertain significance for Hereditary diffuse gastric adenocarcinoma. Last evaluated: 2025-06-20. Review status: criteria provided, single submitter. Criteria: Invitae Variant Classification Sherloc (09022015). Collection method: clinical testing. Allele origin: germline.
Comment: This sequence change replaces valine, which is neutral and non-polar, with alanine, which is neutral and non-polar, at codon 293 of the CDH1 protein (p.Val293Ala). This variant is not present in population databases (gnomAD no frequency). This variant has not been reported in the literature in individuals affected with CDH1-related conditions. ClinVar contains an entry for this variant (Variation ID: 231481). An algorithm developed to predict the effect of missense changes on protein structure and function (PolyPhen-2) suggests that this variant is likely to be disruptive. In summary, the available evidence is currently insufficient to determine the role of this variant in disease. Therefore, it has been classified as a Variant of Uncertain Significance.

Ambry Genetics
Classification: Likely benign for Hereditary cancer-predisposing syndrome. Last evaluated: 2024-07-01. Review status: criteria provided, single submitter. Criteria: Ambry Variant Classification Scheme 2023. Collection method: clinical testing. Allele origin: germline.